The following is an entry in ClinVar:

ClinVar aggregate classification (germline): Uncertain significance (1 of 4 stars; one submission).

Conditions:
Hereditary cancer-predisposing syndrome. Also called: Neoplastic Syndromes, Hereditary; Tumor predisposition; Hereditary Cancer Syndrome; Hereditary neoplastic syndrome. Identifiers: Orphanet 140162, MedGen C0027672, MeSH D009386, MONDO:0015356.

Submission:

Ambry Genetics
Classification: Uncertain significance for Hereditary cancer-predisposing syndrome. Last evaluated: 2022-02-12. Review status: criteria provided, single submitter. Criteria: Ambry Variant Classification Scheme 2023. Collection method: clinical testing. Allele origin: germline.
Comment: The p.F2470C variant (also known as c.7409T>G), located in coding exon 13 of the BRCA2 gene, results from a T to G substitution at nucleotide position 7409. The phenylalanine at codon 2470 is replaced by cysteine, an amino acid with highly dissimilar properties. This amino acid position is conserved. In addition, this alteration is predicted to be tolerated by in silico analysis. Since supporting evidence is limited at this time, the clinical significance of this alteration remains unclear.

NM_000059.4(BRCA2):c.7409T>G (p.Phe2470Cys)

Gene: BRCA2 (BRCA2 DNA repair associated; plus strand). Cytogenetic location: 13q13.1.
Variant type: single nucleotide variant.
Coding change: c.7409T>G on transcript NM_000059.4 (MANE Select); coding-DNA position 7409, T replaced by G.
Protein change: p.Phe2470Cys; replaces phenylalanine 2470 with cysteine.
Molecular consequence: missense variant.
Genome position (GRCh38, 1-based): chr13:32,355,262, T>G. VCF-style: chr13-32355262-T-G. GRCh37 (hg19) VCF-style: chr13-32929399-T-G.
Other names: c.7313T>G, p.Phe2438Cys (NM_001406719.1); c.7409T>G, p.Phe2470Cys (NM_001406720.1); c.2477T>G, p.Phe826Cys (NM_001406721.1); c.992T>G, p.Phe331Cys (NM_001406722.1); short protein forms F331C, F826C, F2470C, F2438C.
Identifiers: ClinVar variation 1758767 (VCV001758767.2), dbSNP rs2137558867, ClinGen allele CA387741910.